The following is an entry in ClinVar:

ClinVar aggregate classification (germline): Likely benign. Review status: criteria provided, multiple submitters, no conflicts (2 of 4 stars). 4 submissions from 4 submitters: Likely benign (4). Last evaluated 2026-07-01.

Conditions:
Inborn genetic diseases. Identifiers: MedGen C0950123, MeSH D030342.

Allele frequency attached by ClinVar (database versions not stated): ExAC below 0.00001; gnomAD 0.00029; 1000 Genomes Project 30x 0.00031; gnomAD exomes 0.00039; TOPMed 0.00069.

Submissions (4):

CeGaT Center for Human Genetics Tuebingen
Classification: Likely benign. Last evaluated: 2026-07-01. Review status: criteria provided, single submitter. Criteria: CeGaT Center For Human Genetics Tuebingen Variant Classification Criteria Version 2. Collection method: clinical testing. Allele origin: germline. Affected: yes. Observed: 2 variant alleles.
Comment: SHANK3: BP4, BP7, BS1

Blueprint Genetics
Classification: Likely benign. Last evaluated: 2024-10-11. Review status: criteria provided, single submitter. Criteria: ACMG Guidelines, 2015. Collection method: clinical testing. Allele origin: germline.

GeneDx
Classification: Likely benign. Last evaluated: 2020-11-04. Review status: criteria provided, single submitter. Criteria: GeneDx Variant Classification Process June 2021. Collection method: clinical testing. Allele origin: germline. Affected: yes.

Ambry Genetics
Classification: Likely benign for Inborn genetic diseases. Last evaluated: 2017-04-27. Review status: criteria provided, single submitter. Criteria: Ambry Variant Classification Scheme 2023. Collection method: clinical testing. Allele origin: germline.

NM_001372044.2(SHANK3):c.2820G>A (p.Ala940=)

Gene: SHANK3 (SH3 and multiple ankyrin repeat domains 3; plus strand). Cytogenetic location: 22q13.33.
Variant type: single nucleotide variant.
Coding change: c.2820G>A on transcript NM_001372044.2 (MANE Select); coding-DNA position 2820, G replaced by A.
Protein change: p.Ala940=; no amino-acid change (alanine 940 retained).
Molecular consequence: synonymous variant.
Genome position (GRCh38, 1-based): chr22:50,720,428, G>A. VCF-style: chr22-50720428-G-A. GRCh37 (hg19) VCF-style: chr22-51158856-G-A.
Other names: c.2595G>A, p.Ala865= (NM_033517.1).
Identifiers: ClinVar variation 589256 (VCV000589256.28), dbSNP rs758217731, ClinGen allele CA10325923.